The following is an entry in ClinVar:

ClinVar aggregate classification (germline): Uncertain significance. Review status: criteria provided, multiple submitters, no conflicts (2 of 4 stars). 3 submissions from 3 submitters: Uncertain significance (3). Last evaluated 2025-03-04.

Conditions:
Colorectal cancer, hereditary nonpolyposis, type 7. Identifiers: Orphanet 144, MedGen C1858380, MONDO:0013725, OMIM 614385.

Allele frequency attached by ClinVar (database versions not stated): TOPMed below 0.00001; gnomAD exomes 0.00001.
gnomAD v4.1: 6 of 1,614,152 alleles (0.00037%); highest among the groups gnomAD compares: Non-Finnish European, 0.00042%; no homozygotes.

Submissions (3):

Center for Genomic Medicine, Rigshospitalet, Copenhagen University Hospital
Classification: Uncertain significance. Last evaluated: 2025-03-04. Review status: criteria provided, single submitter. Criteria: ACMG Guidelines, 2015. Collection method: clinical testing. Allele origin: germline.

Ambry Genetics
Classification: Uncertain significance. Last evaluated: 2024-10-05. Review status: criteria provided, single submitter. Criteria: Ambry Variant Classification Scheme 2023. Collection method: clinical testing. Allele origin: germline.
Comment: The p.N291Y variant (also known as c.871A>T), located in coding exon 1 of the MLH3 gene, results from an A to T substitution at nucleotide position 871. The asparagine at codon 291 is replaced by tyrosine, an amino acid with dissimilar properties. This amino acid position is not well conserved in available vertebrate species. In addition, this alteration is predicted to be tolerated by in silico analysis. Since supporting evidence is limited at this time, the clinical significance of this alteration remains unclear.

Labcorp Genetics (formerly Invitae), Labcorp
Classification: Uncertain significance for Colorectal cancer, hereditary nonpolyposis, type 7. Last evaluated: 2024-07-01. Review status: criteria provided, single submitter. Criteria: Invitae Variant Classification Sherloc (09022015). Collection method: clinical testing. Allele origin: germline.
Comment: This sequence change replaces asparagine, which is neutral and polar, with tyrosine, which is neutral and polar, at codon 291 of the MLH3 protein (p.Asn291Tyr). This variant is present in population databases (no rsID available, gnomAD 0.0009%). This missense change has been observed in individual(s) with colorectal cancer (PMID: 25142776). ClinVar contains an entry for this variant (Variation ID: 1764431). An algorithm developed to predict the effect of missense changes on protein structure and function (PolyPhen-2) suggests that this variant is likely to be disruptive. In summary, the available evidence is currently insufficient to determine the role of this variant in disease. Therefore, it has been classified as a Variant of Uncertain Significance.

Literature cited by the submitters: PubMed 25142776 (cited by Labcorp Genetics (formerly Invitae), Labcorp).

NM_001040108.2(MLH3):c.871A>T (p.Asn291Tyr)

Gene: MLH3 (mutL homolog 3; minus strand). Cytogenetic location: 14q24.3.
Variant type: single nucleotide variant.
Coding change: c.871A>T on transcript NM_001040108.2 (MANE Select); coding-DNA position 871, A replaced by T.
Protein change: p.Asn291Tyr; replaces asparagine 291 with tyrosine.
Molecular consequence: missense variant.
Genome position (GRCh38, 1-based): chr14:75,048,785, T>A on the plus strand (A>T on the coding strand, the complement: MLH3 is on the minus strand). VCF-style: chr14-75048785-T-A. GRCh37 (hg19) VCF-style: chr14-75515488-T-A.
Other names: c.871A>T, p.Asn291Tyr (NM_014381.3); short protein forms N291Y.
Identifiers: ClinVar variation 1764431 (VCV001764431.7), dbSNP rs1351361853, ClinGen allele CA390448848.